The following is an entry in ClinVar:

NM_000744.7(CHRNA4):c.1858C>T (p.Pro620Ser)

Gene: CHRNA4 (cholinergic receptor nicotinic alpha 4 subunit; minus strand). Cytogenetic location: 20q13.33.
Variant type: single nucleotide variant.
Coding change: c.1858C>T on transcript NM_000744.7 (MANE Select); coding-DNA position 1858, C replaced by T.
Protein change: p.Pro620Ser; replaces proline 620 with serine.
Molecular consequence: missense variant. On other transcripts: non-coding transcript variant (1).
Genome position (GRCh38, 1-based): chr20:63,346,764, G>A on the plus strand (C>T on the coding strand, the complement: CHRNA4 is on the minus strand). VCF-style: chr20-63346764-G-A. GRCh37 (hg19) VCF-style: chr20-61978116-G-A.
Other names: c.1330C>T, p.Pro444Ser (NM_001256573.2); short protein forms P620S, P444S.
Identifiers: ClinVar variation 1366089 (VCV001366089.8), dbSNP rs1218865781, ClinGen allele CA409630853.

ClinVar aggregate classification (germline): Uncertain significance (1 of 4 stars; one submission).

Conditions:
Familial sleep-related hypermotor epilepsy. Also called: Autosomal Dominant Sleep-Related Hypermotor (Hyperkinetic) Epilepsy. Identifiers: Orphanet 98784, MedGen C3696898, MONDO:0000030.

Allele frequency attached by ClinVar (database versions not stated): gnomAD exomes below 0.00001.
gnomAD v4.1: 1 of 1,611,406 alleles (0.000062%); highest among the groups gnomAD compares: Non-Finnish European, 0.000085%; no homozygotes.

Submission:

Labcorp Genetics (formerly Invitae), Labcorp
Classification: Uncertain significance. Last evaluated: 2022-07-12. Review status: criteria provided, single submitter. Criteria: Invitae Variant Classification Sherloc (09022015). Collection method: clinical testing. Allele origin: germline.
Comment: In summary, the available evidence is currently insufficient to determine the role of this variant in disease. Therefore, it has been classified as a Variant of Uncertain Significance. This sequence change replaces proline, which is neutral and non-polar, with serine, which is neutral and polar, at codon 620 of the CHRNA4 protein (p.Pro620Ser). This variant is present in population databases (no rsID available, gnomAD 0.0009%). This variant has not been reported in the literature in individuals affected with CHRNA4-related conditions. ClinVar contains an entry for this variant (Variation ID: 1366089). Algorithms developed to predict the effect of missense changes on protein structure and function (SIFT, PolyPhen-2, Align-GVGD) all suggest that this variant is likely to be disruptive.